The following is an entry in ClinVar:

NM_000384.3(APOB):c.13292A>T (p.Asn4431Ile)

Gene: APOB (apolipoprotein B; minus strand). Cytogenetic location: 2p24.1.
Variant type: single nucleotide variant.
Coding change: c.13292A>T on transcript NM_000384.3 (MANE Select); coding-DNA position 13292, A replaced by T.
Protein change: p.Asn4431Ile; replaces asparagine 4431 with isoleucine.
Molecular consequence: missense variant.
Genome position (GRCh38, 1-based): chr2:21,002,130, T>A on the plus strand (A>T on the coding strand, the complement: APOB is on the minus strand). VCF-style: chr2-21002130-T-A. GRCh37 (hg19) VCF-style: chr2-21225002-T-A.
Other names: c.13292A>T (NM_000384.2); short protein forms N4431I.
Identifiers: ClinVar variation 4787733 (VCV004787733.2).
Genomic context (GRCh38, chr2:21,002,130, plus strand): 5'-TATTCCTGAATATTTCTGTGCAGAAATTGCTCAACTTGACTTGAGAGTTGGGAAGTAAAG[T>A]TAGAGGCACTGACAATATATTCAGAATGGAAGTCCTTAAGAGCAACTAACAGGTTCTTGA-3'
Protein context (NP_000375.3, residues 4421-4441): FHSEYIVSAS[Asn4431Ile]FTSQLSSQVE

ClinVar aggregate classification (germline): Uncertain significance. Review status: criteria provided, multiple submitters, no conflicts (2 of 4 stars). 2 submissions from 2 submitters: Uncertain significance (2). Last evaluated 2026-07-01.

Conditions:
Cardiovascular phenotype. Identifiers: MedGen CN230736.
Familial hypobetalipoproteinemia 1. Also called: Hypobetalipoproteinemia, normotriglyceridemic; Acanthocytosis with hypobetalipoproteinemia; APOB-Related Familial Hypobetalipoproteinemia. Identifiers: MedGen C4551990, MONDO:0014252, OMIM 615558.
Hypercholesterolemia, autosomal dominant, type B (FHCL2). Also called: Familial Hypercholesterolemia Type B; APOLIPOPROTEIN B-100, FAMILIAL DEFECTIVE; APOLIPOPROTEIN B-100, FAMILIAL LIGAND-DEFECTIVE; HYPERCHOLESTEROLEMIA, FAMILIAL, DUE TO LIGAND-DEFECTIVE APOLIPOPROTEIN B; Hyperlipoproteinemia Type IIb; Familial hypercholesterolemia 2. Identifiers: MedGen C1704417, MONDO:0007751, OMIM 144010.

Submissions (2):

Ambry Genetics
Classification: Uncertain significance for Cardiovascular phenotype. Last evaluated: 2026-07-01. Review status: criteria provided, single submitter. Criteria: Ambry Variant Classification Scheme 2023. Collection method: clinical testing. Allele origin: germline.
Comment: The p.N4431I variant (also known as c.13292A>T), located in coding exon 29 of the APOB gene, results from an A to T substitution at nucleotide position 13292. The asparagine at codon 4431 is replaced by isoleucine, an amino acid with dissimilar properties. This amino acid position is conserved. In addition, this alteration is predicted to be tolerated by in silico analysis. Based on the available evidence, the clinical significance of this variant remains unclear.

Labcorp Genetics (formerly Invitae), Labcorp
Classification: Uncertain significance for Familial hypobetalipoproteinemia 1; Hypercholesterolemia, autosomal dominant, type B. Last evaluated: 2025-03-31. Review status: criteria provided, single submitter. Criteria: Invitae Variant Classification Sherloc (09022015). Collection method: clinical testing. Allele origin: germline.
Comment: This sequence change replaces asparagine, which is neutral and polar, with isoleucine, which is neutral and non-polar, at codon 4431 of the APOB protein (p.Asn4431Ile). This variant is not present in population databases (gnomAD no frequency). This variant has not been reported in the literature in individuals affected with APOB-related conditions. Invitae Evidence Modeling of protein sequence and biophysical properties (such as structural, functional, and spatial information, amino acid conservation, physicochemical variation, residue mobility, and thermodynamic stability) indicates that this missense variant is not expected to disrupt APOB protein function with a negative predictive value of 95%. In summary, the available evidence is currently insufficient to determine the role of this variant in disease. Therefore, it has been classified as a Variant of Uncertain Significance.